The following is an entry in ClinVar:

NM_031427.4(DNAL1):c.263T>C (p.Leu88Pro)

Gene: DNAL1 (dynein axonemal light chain 1; plus strand). Cytogenetic location: 14q24.3.
Variant type: single nucleotide variant.
Coding change: c.263T>C on transcript NM_031427.4 (MANE Select); coding-DNA position 263, T replaced by C.
Protein change: p.Leu88Pro; replaces leucine 88 with proline.
Molecular consequence: missense variant.
Genome position (GRCh38, 1-based): chr14:73,671,596, T>C. VCF-style: chr14-73671596-T-C. GRCh37 (hg19) VCF-style: chr14-74138299-T-C.
Other names: c.146T>C, p.Leu49Pro (NM_001201366.2); short protein forms L49P, L88P.
Identifiers: ClinVar variation 1687458 (VCV001687458.1), dbSNP rs2140042513, ClinGen allele CA390326533.
Genomic context (GRCh38, chr14:73,671,596, plus strand): 5'-CTACAGAAAACTTGAGGATATTATCTTTAGGAAGAAACAACATAAAGAACTTAAATGGAC[T>C]GGTAGGTTGTTATTTATTATTATTTTATTTATTTAATTTGCACACATCTATGAATAATTT-3'
Protein context (NP_113615.2, residues 78-98): GRNNIKNLNG[Leu88Pro]EAVGDTLEEL

ClinVar aggregate classification (germline): Uncertain significance (1 of 4 stars; one submission).

Conditions:
Primary ciliary dyskinesia 16. Also called: CILIARY DYSKINESIA, PRIMARY, 16, WITH OR WITHOUT SITUS INVERSUS. Identifiers: Orphanet 244, MedGen C3151460, MONDO:0013525, OMIM 614017.

Allele frequency attached by ClinVar (database versions not stated): gnomAD exomes below 0.00001.
gnomAD v4.1: 1 of 1,467,290 alleles (0.000068%); highest among the groups gnomAD compares: South Asian, 0.0015%; no homozygotes.

Submission:

3billion
Classification: Uncertain significance for Primary ciliary dyskinesia 16. Last evaluated: 2022-05-22. Review status: criteria provided, single submitter. Criteria: ACMG Guidelines, 2015. Collection method: clinical testing. Allele origin: germline. Affected: yes. Observed: 1 homozygote.
Comment: The variant is not observed in the gnomAD v2.1.1 dataset. In silico tool predictions suggest damaging effect of the variant on gene or gene product (REVEL: 0.62; 3Cnet: 0.06). Therefore, this variant is classified as uncertain significanceaccording to the recommendation of ACMG/AMP guideline.